The following is an entry in ClinVar:

ClinVar aggregate classification (germline): Uncertain significance (1 of 4 stars; one submission).

Conditions:
Carney complex, type 1 (CNC1). Also called: CARNEY MYXOMA-ENDOCRINE COMPLEX; CARNEY COMPLEX, TYPE I. Identifiers: Orphanet 1359, MedGen C2607929, MONDO:0008057, OMIM 160980.

Submission:

Labcorp Genetics (formerly Invitae), Labcorp
Classification: Uncertain significance for Carney complex, type 1. Last evaluated: 2021-12-03. Review status: criteria provided, single submitter. Criteria: Invitae Variant Classification Sherloc (09022015). Collection method: clinical testing. Allele origin: germline.
Comment: This sequence change replaces methionine, which is neutral and non-polar, with arginine, which is basic and polar, at codon 331 of the PRKAR1A protein (p.Met331Arg). This variant is not present in population databases (gnomAD no frequency). This variant has not been reported in the literature in individuals affected with PRKAR1A-related conditions. Algorithms developed to predict the effect of missense changes on protein structure and function are either unavailable or do not agree on the potential impact of this missense change (SIFT: "Deleterious"; PolyPhen-2: "Benign"; Align-GVGD: "Class C0"). In summary, the available evidence is currently insufficient to determine the role of this variant in disease. Therefore, it has been classified as a Variant of Uncertain Significance.

NM_002734.5(PRKAR1A):c.992T>G (p.Met331Arg)

Gene: PRKAR1A (protein kinase cAMP-dependent type I regulatory subunit alpha; plus strand). Cytogenetic location: 17q24.2.
Variant type: single nucleotide variant.
Coding change: c.992T>G on transcript NM_002734.5 (MANE Select); coding-DNA position 992, T replaced by G.
Protein change: p.Met331Arg; replaces methionine 331 with arginine.
Molecular consequence: missense variant. On other transcripts: intron variant (1).
Genome position (GRCh38, 1-based): chr17:68,530,295, T>G. VCF-style: chr17-68530295-T-G. GRCh37 (hg19) VCF-style: chr17-66526436-T-G.
Other names: c.992T>G, p.Met331Arg (NM_001276289.2, NM_001278433.2, NM_001369389.1 and 3 more transcripts); c.973+294T>G (NM_001276290.1); short protein forms M331R.
Identifiers: ClinVar variation 1354960 (VCV001354960.6), dbSNP rs2143389652, ClinGen allele CA400754448.